The following is an entry in ClinVar:

NM_014946.4(SPAST):c.444G>A (p.Trp148Ter)

Gene: SPAST (spastin; plus strand). Cytogenetic location: 2p22.3.
Variant type: single nucleotide variant.
Coding change: c.444G>A on transcript NM_014946.4 (MANE Select); coding-DNA position 444, G replaced by A.
Protein change: p.Trp148Ter; replaces tryptophan 148 with a stop codon.
Molecular consequence: nonsense.
Genome position (GRCh38, 1-based): chr2:32,087,520, G>A. VCF-style: chr2-32087520-G-A. GRCh37 (hg19) VCF-style: chr2-32312589-G-A.
Other names: c.441G>A, p.Trp147Ter (NM_001363823.2, NM_001363875.2); c.444G>A, p.Trp148Ter (NM_001377959.1, NM_199436.2); short protein forms W148*, W147*.
Identifiers: ClinVar variation 536448 (VCV000536448.33), dbSNP rs1553399493, ClinGen allele CA346603151.
Genomic context (GRCh38, chr2:32,087,520, plus strand): 5'-ACGATCTATACAAATAATTTTTTATTTTAAAGCAGGACAGAAGGAGCAAGCTGTGGAATG[G>A]TATAAGAAAGGTATTGAAGAACTGGAAAAAGGAATAGCTGTTATAGTTACAGGACAAGGT-3'

ClinVar aggregate classification (germline): Pathogenic. Review status: criteria provided, multiple submitters, no conflicts (2 of 4 stars). 3 submissions from 3 submitters: Pathogenic (3). Last evaluated 2023-10-01.

Conditions:
Hereditary spastic paraplegia 4. Also called: Spastic paraplegia 4, autosomal dominant; Spastic Paraplegia 4; Familial spastic paraplegia autosomal dominant 2. Identifiers: Orphanet 100985, MedGen C1866855, MONDO:0008438, OMIM 182601.

Submissions (3):

CeGaT Center for Human Genetics Tuebingen
Classification: Pathogenic. Last evaluated: 2023-10-01. Review status: criteria provided, single submitter. Criteria: CeGaT Center For Human Genetics Tuebingen Variant Classification Criteria Version 2. Collection method: clinical testing. Allele origin: germline. Affected: yes. Observed: 1 variant allele.
Comment: SPAST: PVS1, PM2, PP4

Labcorp Genetics (formerly Invitae), Labcorp
Classification: Pathogenic for Hereditary spastic paraplegia 4. Last evaluated: 2023-03-03. Review status: criteria provided, single submitter. Criteria: Invitae Variant Classification Sherloc (09022015). Collection method: clinical testing. Allele origin: germline.
Comment: For these reasons, this variant has been classified as Pathogenic. ClinVar contains an entry for this variant (Variation ID: 536448). This premature translational stop signal has been observed in individual(s) with hereditary spastic paraplegia (PMID: 23252998). This variant is not present in population databases (gnomAD no frequency). This sequence change creates a premature translational stop signal (p.Trp148*) in the SPAST gene. It is expected to result in an absent or disrupted protein product. Loss-of-function variants in SPAST are known to be pathogenic (PMID: 20932283).

Paris Brain Institute, Inserm - ICM
Classification: Pathogenic for Hereditary spastic paraplegia 4. Review status: criteria provided, single submitter. Criteria: ACMG Guidelines, 2015. Collection method: clinical testing. Allele origin: unknown. Affected: yes. Observed: 1 variant allele.

Literature cited by the submitters: PubMed 23252998 (cited by Labcorp Genetics (formerly Invitae), Labcorp); PubMed 20932283 (cited by Labcorp Genetics (formerly Invitae), Labcorp).